The following is an entry in ClinVar:

NM_000051.4(ATM):c.3626_3628delinsCTCATTAGAGAGTCTCATTAGATTATC (p.Phe1209_Met1210delinsSerHisTer)

Gene: ATM (ATM serine/threonine kinase; plus strand). Cytogenetic location: 11q22.3.
Variant type: Indel.
Coding change: c.3626_3628delinsCTCATTAGAGAGTCTCATTAGATTATC on transcript NM_000051.4 (MANE Select); coding-DNA positions 3626 to 3628, TTA replaced by CTCATTAGAGAGTCTCATTAGATTATC.
Protein change: p.Phe1209_Met1210delinsSerHisTer.
Molecular consequence: nonsense.
Genome position (GRCh38, 1-based): chr11:108,282,759-108,282,761, TTA replaced by CTCATTAGAGAGTCTCATTAGATTATC. VCF-style: chr11-108282759-TTA-CTCATTAGAGAGTCTCATTAGATTATC. GRCh37 (hg19) VCF-style: chr11-108153486-TTA-CTCATTAGAGAGTCTCATTAGATTATC.
Other names: c.3626_3628delinsCTCATTAGAGAGTCTCATTAGATTATC, p.Phe1209_Met1210delinsSerHisTer (NM_001351834.2).
Identifiers: ClinVar variation 2030870 (VCV002030870.1), dbSNP rs2546879307, ClinGen allele CA2580083242.
Genomic context (GRCh38, chr11:108,282,759, plus strand): 5'-GGTTCGTGCAGGTTTTAGAGAAAGTTTCTGAAACTTTTGGATATAGACGTTTAGAAGACT[TTA>CTCATTAGAGAGTCTCATTAGATTATC]TGGCATCTCATTTAGATTATCTGGTTTTGGAATGGCTAAATCTTCAAGATACTGAATACA-3'

ClinVar aggregate classification (germline): Pathogenic (1 of 4 stars; one submission).

Conditions:
Ataxia-telangiectasia syndrome (AT). Also called: Ataxia-telangiectasia, complementation group D; ATAXIA-TELANGIECTASIA, COMPLEMENTATION GROUP A; ATAXIA-TELANGIECTASIA, FRESNO VARIANT; Ataxia-telangiectasia; Ataxia telangiectasia (A-T); Cerebello-oculocutaneous telangiectasia. Identifiers: Orphanet 100, MedGen C0004135, MONDO:0008840, OMIM 208900.

Submission:

Labcorp Genetics (formerly Invitae), Labcorp
Classification: Pathogenic for Ataxia-telangiectasia syndrome. Last evaluated: 2021-05-30. Review status: criteria provided, single submitter. Criteria: Invitae Variant Classification Sherloc (09022015). Collection method: clinical testing. Allele origin: germline.
Comment: This sequence change creates a premature translational stop signal (p.Phe1209_Ala1211delinsSerHis*) in the ATM gene. It is expected to result in an absent or disrupted protein product. Loss-of-function variants in ATM are known to be pathogenic (PMID: 23807571, 25614872). This variant is not present in population databases (ExAC no frequency). This variant has not been reported in the literature in individuals with ATM-related conditions. For these reasons, this variant has been classified as Pathogenic.

Literature cited by the submitters: PubMed 23807571; PubMed 25614872.